The following is an entry in ClinVar:

ClinVar aggregate classification (germline): Uncertain significance (1 of 4 stars; one submission).

Submission:

Labcorp Genetics (formerly Invitae), Labcorp
Classification: Uncertain significance. Last evaluated: 2024-12-16. Review status: criteria provided, single submitter. Criteria: Invitae Variant Classification Sherloc (09022015). Collection method: clinical testing. Allele origin: germline.
Comment: This sequence change replaces serine, which is neutral and polar, with cysteine, which is neutral and slightly polar, at codon 78 of the COL17A1 protein (p.Ser78Cys). This variant is present in population databases (rs143483397, gnomAD 0.1%). This variant has not been reported in the literature in individuals affected with COL17A1-related conditions. Invitae Evidence Modeling of protein sequence and biophysical properties (such as structural, functional, and spatial information, amino acid conservation, physicochemical variation, residue mobility, and thermodynamic stability) indicates that this missense variant is not expected to disrupt COL17A1 protein function with a negative predictive value of 80%. In summary, the available evidence is currently insufficient to determine the role of this variant in disease. Therefore, it has been classified as a Variant of Uncertain Significance.

NM_000494.4(COL17A1):c.233C>G (p.Ser78Cys)

Gene: COL17A1 (collagen type XVII alpha 1 chain; minus strand). Cytogenetic location: 10q25.1.
Variant type: single nucleotide variant.
Coding change: c.233C>G on transcript NM_000494.4 (MANE Select); coding-DNA position 233, C replaced by G.
Protein change: p.Ser78Cys; replaces serine 78 with cysteine.
Molecular consequence: missense variant.
Genome position (GRCh38, 1-based): chr10:104,076,399, G>C on the plus strand (C>G on the coding strand, the complement: COL17A1 is on the minus strand). VCF-style: chr10-104076399-G-C. GRCh37 (hg19) VCF-style: chr10-105836157-G-C.
Other names: short protein forms S78C.
Identifiers: ClinVar variation 3642130 (VCV003642130.1).
Genomic context (GRCh38, chr10:104,076,399, plus strand): 5'-AAGGTTGAGCCTGGGGAGTTGGGCAGAGTGGAGGCAGGTGAGTGAGCCCTCCTGTAACTA[G>C]AGGTGGAGGCATGGCCTCGTGTGCTTCCAGCTGCAAGAGGGAAAAAGCATAAGTTCTCAG-3'
Protein context (NP_000485.3, residues 68-88): TGSTRGHAST[Ser78Cys]SYRRAHSPAS